The following is an entry in ClinVar:

ClinVar aggregate classification (germline): Uncertain significance (1 of 4 stars; one submission).

Conditions:
Cardiovascular phenotype. Identifiers: MedGen CN230736.

Submission:

Ambry Genetics
Classification: Uncertain significance for Cardiovascular phenotype. Last evaluated: 2023-01-30. Review status: criteria provided, single submitter. Criteria: Ambry Variant Classification Scheme 2023. Collection method: clinical testing. Allele origin: germline.
Comment: The p.T3453I variant (also known as c.10358C>T), located in coding exon 26 of the APOB gene, results from a C to T substitution at nucleotide position 10358. The threonine at codon 3453 is replaced by isoleucine, an amino acid with similar properties. This amino acid position is conserved. In addition, this alteration is predicted to be tolerated by in silico analysis. Since supporting evidence is limited at this time, the clinical significance of this alteration remains unclear.

NM_000384.3(APOB):c.10358C>T (p.Thr3453Ile)

Gene: APOB (apolipoprotein B; minus strand). Cytogenetic location: 2p24.1.
Variant type: single nucleotide variant.
Coding change: c.10358C>T on transcript NM_000384.3 (MANE Select); coding-DNA position 10358, C replaced by T.
Protein change: p.Thr3453Ile; replaces threonine 3453 with isoleucine.
Molecular consequence: missense variant.
Genome position (GRCh38, 1-based): chr2:21,006,510, G>A on the plus strand (C>T on the coding strand, the complement: APOB is on the minus strand). VCF-style: chr2-21006510-G-A. GRCh37 (hg19) VCF-style: chr2-21229382-G-A.
Other names: short protein forms T3453I.
Identifiers: ClinVar variation 2451319 (VCV002451319.2), dbSNP rs2465360011, ClinGen allele CA345986704.